The following is an entry in ClinVar:

ClinVar aggregate classification (germline): Likely pathogenic (1 of 4 stars; one submission).

Conditions:
Developmental and epileptic encephalopathy, 13 (DEE13). Also called: Early infantile epileptic encephalopathy 13; Developmental and Epileptic Encephalopathy (SCN8A-DEE); SCN8A-Related Epilepsy. Identifiers: Orphanet 442835, MedGen C3281191, MONDO:0013801, OMIM 614558.

Submission:

Baylor Genetics
Classification: Likely pathogenic for Developmental and epileptic encephalopathy, 13. Last evaluated: 2018-11-08. Review status: criteria provided, single submitter. Criteria: ACMG Guidelines, 2015. Collection method: clinical testing. Allele origin: de novo. Affected: yes.
Comment: This variant was determined to be likely pathogenic according to ACMG Guidelines, 2015 [PMID:25741868].

NM_001330260.2(SCN8A):c.5297T>G (p.Leu1766Arg)

Gene: SCN8A (sodium voltage-gated channel alpha subunit 8; plus strand). Cytogenetic location: 12q13.13.
Variant type: single nucleotide variant.
Coding change: c.5297T>G on transcript NM_001330260.2 (MANE Select); coding-DNA position 5297, T replaced by G.
Protein change: p.Leu1766Arg; replaces leucine 1766 with arginine.
Molecular consequence: missense variant.
Genome position (GRCh38, 1-based): chr12:51,806,783, T>G. VCF-style: chr12-51806783-T-G. GRCh37 (hg19) VCF-style: chr12-52200567-T-G.
Other names: c.5174T>G, p.Leu1725Arg (NM_001177984.3, NM_001369788.1); c.5297T>G, p.Leu1766Arg (NM_014191.4); short protein forms L1725R, L1766R.
Identifiers: ClinVar variation 1031807 (VCV001031807.1), dbSNP rs1938713472, ClinGen allele CA384885218.